The following is an entry in ClinVar:

NM_021008.4(DEAF1):c.1292C>T (p.Pro431Leu)

Genes: DEAF1 (DEAF1 transcription factor; minus strand), LOC126861109 (BRD4-independent group 4 enhancer GRCh37_chr11:673917-675116; plus strand). Cytogenetic location: 11p15.5.
Variant type: single nucleotide variant.
Coding change: c.1292C>T on transcript NM_021008.4 (MANE Select); coding-DNA position 1292, C replaced by T.
Protein change: p.Pro431Leu; replaces proline 431 with leucine.
Molecular consequence: missense variant.
Genome position (GRCh38, 1-based): chr11:674,747, G>A on the plus strand (C>T on the coding strand, the complement: DEAF1 is on the minus strand). VCF-style: chr11-674747-G-A. GRCh37 (hg19) VCF-style: chr11-674747-G-A.
Other names: c.1025C>T, p.Pro342Leu (NM_001293634.2); c.566C>T, p.Pro189Leu (NM_001367390.1); short protein forms P189L, P431L, P342L.
Identifiers: ClinVar variation 1487853 (VCV001487853.31), dbSNP rs373286290, ClinGen allele CA5786251.
Genomic context (GRCh38, chr11:674,747, plus strand): 5'-CGCGGCTCTGACAGCTCCAGCCCATTGACCAACGCGGGAGGTGCCGCTTTGGTGGGAGTC[G>A]GGGGTGGGACCGCCAGCGCAGGCAGGGATGTCAACACTAGAGCATTTGGAAAGCAAAACA-3'
Protein context (NP_066288.2, residues 421-441): TSLPALAVPP[Pro431Leu]TPTKAAPPAL

ClinVar aggregate classification (germline): Uncertain significance. Review status: criteria provided, multiple submitters, no conflicts (2 of 4 stars). 3 submissions from 3 submitters: Uncertain significance (3). Last evaluated 2025-07-07.

Conditions:
Inborn genetic diseases. Identifiers: MedGen C0950123, MeSH D030342.

Allele frequency attached by ClinVar (database versions not stated): ExAC 0.00002; gnomAD exomes 0.00002; gnomAD 0.00004; ESP Exome Variant Server 0.00008.
gnomAD v4.1: 30 of 1,613,140 alleles (0.0019%); highest among the groups gnomAD compares: African/African-American, 0.0053%; no homozygotes.

Submissions (3):

Labcorp Genetics (formerly Invitae), Labcorp
Classification: Uncertain significance. Last evaluated: 2025-07-07. Review status: criteria provided, single submitter. Criteria: Invitae Variant Classification Sherloc (09022015). Collection method: clinical testing. Allele origin: germline.
Comment: This sequence change replaces proline, which is neutral and non-polar, with leucine, which is neutral and non-polar, at codon 431 of the DEAF1 protein (p.Pro431Leu). This variant is present in population databases (rs373286290, gnomAD 0.007%). This variant has not been reported in the literature in individuals affected with DEAF1-related conditions. ClinVar contains an entry for this variant (Variation ID: 1487853). Invitae Evidence Modeling of protein sequence and biophysical properties (such as structural, functional, and spatial information, amino acid conservation, physicochemical variation, residue mobility, and thermodynamic stability) indicates that this missense variant is not expected to disrupt DEAF1 protein function with a negative predictive value of 95%. In summary, the available evidence is currently insufficient to determine the role of this variant in disease. Therefore, it has been classified as a Variant of Uncertain Significance.

Ambry Genetics
Classification: Uncertain significance for Inborn genetic diseases. Last evaluated: 2023-09-22. Review status: criteria provided, single submitter. Criteria: Ambry Variant Classification Scheme 2023. Collection method: clinical testing. Allele origin: germline.

CeGaT Center for Human Genetics Tuebingen
Classification: Uncertain significance. Last evaluated: 2022-09-01. Review status: criteria provided, single submitter. Criteria: CeGaT Center For Human Genetics Tuebingen Variant Classification Criteria Version 2. Collection method: clinical testing. Allele origin: germline. Affected: yes. Observed: 1 variant allele.
Comment: DEAF1: PM2, BP4